The following is an entry in ClinVar:

NM_003906.5(MCM3AP):c.5753T>C (p.Val1918Ala)

Genes: MCM3AP (minichromosome maintenance complex component 3 associated protein; minus strand), MCM3AP-AS1 (MCM3AP antisense RNA 1; plus strand). Cytogenetic location: 21q22.3.
Variant type: single nucleotide variant.
Coding change: c.5753T>C on transcript NM_003906.5 (MANE Select); coding-DNA position 5753, T replaced by C.
Protein change: p.Val1918Ala; replaces valine 1918 with alanine.
Molecular consequence: missense variant.
Genome position (GRCh38, 1-based): chr21:46,236,860, A>G on the plus strand (T>C on the coding strand, the complement: MCM3AP is on the minus strand). VCF-style: chr21-46236860-A-G. GRCh37 (hg19) VCF-style: chr21-47656774-A-G.
Other names: short protein forms V1918A.
Identifiers: ClinVar variation 1522858 (VCV001522858.3), dbSNP rs2123795365, ClinGen allele CA410534625.

ClinVar aggregate classification (germline): Uncertain significance (1 of 4 stars; one submission).

Submission:

Labcorp Genetics (formerly Invitae), Labcorp
Classification: Uncertain significance. Last evaluated: 2022-07-19. Review status: criteria provided, single submitter. Criteria: Invitae Variant Classification Sherloc (09022015). Collection method: clinical testing. Allele origin: germline.
Comment: This sequence change replaces valine, which is neutral and non-polar, with alanine, which is neutral and non-polar, at codon 1918 of the MCM3AP protein (p.Val1918Ala). This variant is not present in population databases (gnomAD no frequency). This variant has not been reported in the literature in individuals affected with MCM3AP-related conditions. ClinVar contains an entry for this variant (Variation ID: 1522858). Algorithms developed to predict the effect of missense changes on protein structure and function output the following: SIFT: "Tolerated"; PolyPhen-2: "Benign"; Align-GVGD: "Class C0". The alanine amino acid residue is found in multiple mammalian species, which suggests that this missense change does not adversely affect protein function. In summary, the available evidence is currently insufficient to determine the role of this variant in disease. Therefore, it has been classified as a Variant of Uncertain Significance.